The following is an entry in ClinVar:

NR_003137.3(RNU4-2):n.44A>T

Genes: RNU4-2 (RNA, U4 small nuclear 2; minus strand), SIRT4 (sirtuin 4; plus strand). Cytogenetic location: 12q24.23.
Variant type: single nucleotide variant.
Molecular consequence: non-coding transcript variant (on NR_003137.3).
Genome position: GRCh38 VCF-style: chr12-120291860-T-A. GRCh37 (hg19) VCF-style: chr12-120729663-T-A.
Identifiers: ClinVar variation 4795819 (VCV004795819.1).

ClinVar aggregate classification (germline): Uncertain significance (1 of 4 stars; one submission).

Conditions:
Neurodevelopmental disorder with hypotonia, brain anomalies, distinctive facies, and absent language. Also called: ReNU SYNDROME; RNU4-2-Related Neurodevelopmental Disorder; RNU4-2–Related Autosomal Dominant Neurodevelopmental Disorder. Identifiers: Orphanet 686488, MedGen C5935628, MONDO:0971172, OMIM 620851.

Submission:

Centre for Population Genomics, CPG
Classification: Uncertain significance for RNU4-2-Related Neurodevelopmental Disorder. Last evaluated: 2026-02-11. Review status: criteria provided, single submitter. Criteria: Ellingford et al. (Genome Med. 2022). Collection method: research. Allele origin: germline. Inheritance: Autosomal recessive inheritance. Affected: yes. Observed: 1 variant allele, 1 compound heterozygote.
Comment: PM2_supp,PS3_supp,PM1,PP4